The following is an entry in ClinVar:

NM_006231.4(POLE):c.2630T>C (p.Val877Ala)

Gene: POLE (DNA polymerase epsilon, catalytic subunit; minus strand). Cytogenetic location: 12q24.33.
Variant type: single nucleotide variant.
Coding change: c.2630T>C on transcript NM_006231.4 (MANE Select); coding-DNA position 2630, T replaced by C.
Protein change: p.Val877Ala; replaces valine 877 with alanine.
Molecular consequence: missense variant.
Genome position (GRCh38, 1-based): chr12:132,664,080, A>G on the plus strand (T>C on the coding strand, the complement: POLE is on the minus strand). VCF-style: chr12-132664080-A-G. GRCh37 (hg19) VCF-style: chr12-133240666-A-G.
Other names: short protein forms V877A.
Identifiers: ClinVar variation 569983 (VCV000569983.8), dbSNP rs1565960854, ClinGen allele CA387395524.

ClinVar aggregate classification (germline): Uncertain significance (1 of 4 stars; one submission).

Submission:

Labcorp Genetics (formerly Invitae), Labcorp
Classification: Uncertain significance. Last evaluated: 2018-05-31. Review status: criteria provided, single submitter. Criteria: Invitae Variant Classification Sherloc (09022015). Collection method: clinical testing. Allele origin: germline.
Comment: This sequence change replaces valine with alanine at codon 877 of the POLE protein (p.Val877Ala). The valine residue is moderately conserved and there is a small physicochemical difference between valine and alanine. This variant is not present in population databases (ExAC no frequency). This variant has not been reported in the literature in individuals with POLE-related disease. Algorithms developed to predict the effect of missense changes on protein structure and function (SIFT, PolyPhen-2, Align-GVGD) all suggest that this variant is likely to be tolerated, but these predictions have not been confirmed by published functional studies and their clinical significance is uncertain. In summary, the available evidence is currently insufficient to determine the role of this variant in disease. Therefore, it has been classified as a Variant of Uncertain Significance.